The following is an entry in ClinVar:

ClinVar aggregate classification (germline): Pathogenic (1 of 4 stars; one submission).

Submission:

ISCA Site 6
Classification: Pathogenic. Last evaluated: 2011-08-12. Review status: criteria provided, single submitter. Criteria: Kaminsky et al. (Genet Med. 2011). Collection method: clinical testing. Allele origin: unknown. Affected: yes. Observed: 1 variant allele.
Comment: Copy number variation identified through the course of routine clinical cytogenomic testing in postnatal populations. Clinical assertions have been curated as described in Kaminsky et al. 2011.

GRCh38/hg38 18q11.1-23(chr18:20960320-80234429)x3

Genes: ABHD3 (abhydrolase domain containing 3, phospholipase; minus strand), ACAA2 (acetyl-CoA acyltransferase 2; minus strand), ADNP2 (ADNP homeobox 2; plus strand), ALPK2 (alpha kinase 2; minus strand), ALPK2-AS1 (ALPK2 antisense RNA 1; plus strand) and 1271 more. Cytogenetic location: 18q11.1-23.
Variant type: copy number gain.
Change: copy number 3 (three copies instead of two) of chr18:20,960,320-80,234,429 (59.27 Mb, GRCh38 coordinates, 1-based), cytogenetic band 18q11.1-23.
Identifiers: ClinVar variation 58756 (VCV000058756.2).